The following is an entry in ClinVar:

NM_002691.4(POLD1):c.904G>A (p.Gly302Arg)

Gene: POLD1 (DNA polymerase delta 1, catalytic subunit; plus strand). Cytogenetic location: 19q13.33.
Variant type: single nucleotide variant.
Coding change: c.904G>A on transcript NM_002691.4 (MANE Select); coding-DNA position 904, G replaced by A.
Protein change: p.Gly302Arg; replaces glycine 302 with arginine.
Molecular consequence: missense variant. On other transcripts: non-coding transcript variant (1).
Genome position (GRCh38, 1-based): chr19:50,402,675, G>A. VCF-style: chr19-50402675-G-A. GRCh37 (hg19) VCF-style: chr19-50905932-G-A.
Other names: c.904G>A, p.Gly302Arg (NM_001256849.1, NM_001308632.1); c.904G>A (NM_002691.2); short protein forms G302R.
Identifiers: ClinVar variation 1390913 (VCV001390913.7), dbSNP rs753247559, ClinGen allele CA9595949.

ClinVar aggregate classification (germline): Uncertain significance. Review status: criteria provided, multiple submitters, no conflicts (2 of 4 stars). 2 submissions from 2 submitters: Uncertain significance (2). Last evaluated 2025-01-30.

Conditions:
POLD1-related polyposis and colorectal cancer syndrome (CRCS10). Also called: Colorectal cancer, susceptibility to, 10; Colorectal cancer 10; COLORECTAL CANCER, SUSCEPTIBILITY TO, ON CHROMOSOME 19q. Identifiers: Orphanet 220460, MedGen C2675481, MONDO:0012953, OMIM 612591.
Hereditary cancer-predisposing syndrome. Also called: Tumor predisposition; Hereditary Cancer Syndrome; Hereditary neoplastic syndrome; Neoplastic Syndromes, Hereditary. Identifiers: Orphanet 140162, MedGen C0027672, MeSH D009386, MONDO:0015356.

Allele frequency attached by ClinVar (database versions not stated): gnomAD exomes below 0.00001; ExAC 0.00002.
gnomAD v4.1: 2 of 1,599,944 alleles (0.00013%); highest among the groups gnomAD compares: South Asian, 0.0011%; no homozygotes.

Submissions (2):

Ambry Genetics
Classification: Uncertain significance for Hereditary cancer-predisposing syndrome. Last evaluated: 2025-01-30. Review status: criteria provided, single submitter. Criteria: Ambry Variant Classification Scheme 2023. Collection method: clinical testing. Allele origin: germline.
Comment: The p.G302R variant (also known as c.904G>A), located in coding exon 7 of the POLD1 gene, results from a G to A substitution at nucleotide position 904. The glycine at codon 302 is replaced by arginine, an amino acid with dissimilar properties. This amino acid position is conserved. In addition, the in silico prediction for this alteration is inconclusive. Based on the available evidence, the clinical significance of this variant remains unclear.

Labcorp Genetics (formerly Invitae), Labcorp
Classification: Uncertain significance for POLD1-related polyposis and colorectal cancer syndrome. Last evaluated: 2024-02-19. Review status: criteria provided, single submitter. Criteria: Invitae Variant Classification Sherloc (09022015). Collection method: clinical testing. Allele origin: germline.
Comment: This sequence change replaces glycine, which is neutral and non-polar, with arginine, which is basic and polar, at codon 302 of the POLD1 protein (p.Gly302Arg). The frequency data for this variant in the population databases is considered unreliable, as metrics indicate poor data quality at this position in the gnomAD database. This variant has not been reported in the literature in individuals affected with POLD1-related conditions. ClinVar contains an entry for this variant (Variation ID: 1390913). Advanced modeling of protein sequence and biophysical properties (such as structural, functional, and spatial information, amino acid conservation, physicochemical variation, residue mobility, and thermodynamic stability) performed at Invitae indicates that this missense variant is expected to disrupt POLD1 protein function with a positive predictive value of 80%. In summary, the available evidence is currently insufficient to determine the role of this variant in disease. Therefore, it has been classified as a Variant of Uncertain Significance.